The following is an entry in ClinVar:

NM_003119.4(SPG7):c.184-235G>A

Gene: SPG7 (SPG7 matrix AAA peptidase subunit, paraplegin; plus strand). Cytogenetic location: 16q24.3.
Variant type: single nucleotide variant.
Coding change: c.184-235G>A on transcript NM_003119.4 (MANE Select); 235 bases into the intron before coding-DNA position 184, G replaced by A.
Molecular consequence: intron variant.
Genome position (GRCh38, 1-based): chr16:89,510,255, G>A. VCF-style: chr16-89510255-G-A. GRCh37 (hg19) VCF-style: chr16-89576663-G-A.
Other names: c.184-235G>A (NM_001363850.1, NM_199367.3).
Identifiers: ClinVar variation 670118 (VCV000670118.1), dbSNP rs4238831, ClinGen allele CA14273797.

ClinVar aggregate classification (germline): Benign (1 of 4 stars; one submission).

Allele frequency attached by ClinVar (database versions not stated): gnomAD 0.42308 and 0.43193; TOPMed 0.42806; 1000 Genomes Project 30x 0.49438; 1000 Genomes Project 0.49880.
gnomAD v4.1: 65,753 of 151,814 alleles (43%); highest among the groups gnomAD compares: East Asian, 67%; 14,762 homozygotes.

Submission:

GeneDx
Classification: Benign. Last evaluated: 2018-06-19. Review status: criteria provided, single submitter. Criteria: GeneDx Variant Classification (06012015). Collection method: clinical testing. Allele origin: germline. Affected: yes.
Comment: This variant is considered likely benign or benign based on one or more of the following criteria: it is a conservative change, it occurs at a poorly conserved position in the protein, it is predicted to be benign by multiple in silico algorithms, and/or has population frequency not consistent with disease.